The following is an entry in ClinVar:

NM_000081.4(LYST):c.5075A>G (p.Asn1692Ser)

Gene: LYST (lysosomal trafficking regulator; minus strand). Cytogenetic location: 1q42.3.
Variant type: single nucleotide variant.
Coding change: c.5075A>G on transcript NM_000081.4 (MANE Select); coding-DNA position 5075, A replaced by G.
Protein change: p.Asn1692Ser; replaces asparagine 1692 with serine.
Molecular consequence: missense variant.
Genome position (GRCh38, 1-based): chr1:235,781,004, T>C on the plus strand (A>G on the coding strand, the complement: LYST is on the minus strand). VCF-style: chr1-235781004-T-C. GRCh37 (hg19) VCF-style: chr1-235944304-T-C.
Other names: c.5075A>G, p.Asn1692Ser (NM_001301365.1); short protein forms N1692S.
Identifiers: ClinVar variation 1914317 (VCV001914317.4), dbSNP rs778916638, ClinGen allele CA1466693.

ClinVar aggregate classification (germline): Uncertain significance (1 of 4 stars; one submission).

Conditions:
Chédiak-Higashi syndrome (CHS). Also called: Chediak-Higashi Syndrome. Identifiers: Orphanet 167, MedGen C0007965, MONDO:0008963, OMIM 214500.

Allele frequency attached by ClinVar (database versions not stated): TOPMed below 0.00001; ExAC 0.00002.
gnomAD v4.1: 10 of 1,611,910 alleles (0.00062%); highest among the groups gnomAD compares: East Asian, 0.0022%; no homozygotes.

Submission:

Labcorp Genetics (formerly Invitae), Labcorp
Classification: Uncertain significance for Chédiak-Higashi syndrome. Last evaluated: 2024-02-02. Review status: criteria provided, single submitter. Criteria: Invitae Variant Classification Sherloc (09022015). Collection method: clinical testing. Allele origin: germline.
Comment: This sequence change replaces asparagine, which is neutral and polar, with serine, which is neutral and polar, at codon 1692 of the LYST protein (p.Asn1692Ser). This variant is present in population databases (rs778916638, gnomAD 0.007%). This variant has not been reported in the literature in individuals affected with LYST-related conditions. ClinVar contains an entry for this variant (Variation ID: 1914317). Advanced modeling of protein sequence and biophysical properties (such as structural, functional, and spatial information, amino acid conservation, physicochemical variation, residue mobility, and thermodynamic stability) performed at Invitae indicates that this missense variant is not expected to disrupt LYST protein function with a negative predictive value of 80%. In summary, the available evidence is currently insufficient to determine the role of this variant in disease. Therefore, it has been classified as a Variant of Uncertain Significance.